The following is an entry in ClinVar:

ClinVar aggregate classification (germline): Uncertain significance (1 of 4 stars; one submission).

Submission:

Labcorp Genetics (formerly Invitae), Labcorp
Classification: Uncertain significance. Last evaluated: 2023-01-08. Review status: criteria provided, single submitter. Criteria: Invitae Variant Classification Sherloc (09022015). Collection method: clinical testing. Allele origin: germline.
Comment: This sequence change replaces isoleucine, which is neutral and non-polar, with methionine, which is neutral and non-polar, at codon 81 of the DNA2 protein (p.Ile81Met). In summary, the available evidence is currently insufficient to determine the role of this variant in disease. Therefore, it has been classified as a Variant of Uncertain Significance. Advanced modeling of protein sequence and biophysical properties (such as structural, functional, and spatial information, amino acid conservation, physicochemical variation, residue mobility, and thermodynamic stability) performed at Invitae indicates that this missense variant is not expected to disrupt DNA2 protein function. This variant has not been reported in the literature in individuals affected with DNA2-related conditions. This variant is not present in population databases (gnomAD no frequency).

NM_001080449.3(DNA2):c.243C>G (p.Ile81Met)

Gene: DNA2 (DNA replication helicase/nuclease 2; minus strand). Cytogenetic location: 10q21.3.
Variant type: single nucleotide variant.
Coding change: c.243C>G on transcript NM_001080449.3 (MANE Select); coding-DNA position 243, C replaced by G.
Protein change: p.Ile81Met; replaces isoleucine 81 with methionine.
Molecular consequence: missense variant. On other transcripts: non-coding transcript variant (1).
Genome position (GRCh38, 1-based): chr10:68,469,995, G>C on the plus strand (C>G on the coding strand, the complement: DNA2 is on the minus strand). VCF-style: chr10-68469995-G-C. GRCh37 (hg19) VCF-style: chr10-70229752-G-C.
Other names: short protein forms I81M.
Identifiers: ClinVar variation 2122777 (VCV002122777.4), dbSNP rs2494018986, ClinGen allele CA376831476.
Genomic context (GRCh38, chr10:68,469,995, plus strand): 5'-GTACCCTTAAGATTCAAATCGGTGCTCAAAGTCACATAAAAATTACCAGTCATTCCTAAG[G>C]ATGCATAGTTCTTTATTTTCTAGTGACTGTGAAGCAGTGATGACCAGGCGCTTTTCACAG-3'
Protein context (NP_001073918.2, residues 71-91): SQSLENKELC[Ile81Met]LRNDWCSVPV